The following is an entry in ClinVar:

ClinVar aggregate classification (germline): Pathogenic (1 of 4 stars; one submission).

Conditions:
Autosomal recessive nonsyndromic hearing loss 21. Identifiers: Orphanet 90636, MedGen C1863655, MONDO:0011351, OMIM 603629.

Submission:

Institute of Rare Diseases, West China Hospital, Sichuan University
Classification: Pathogenic for Autosomal recessive nonsyndromic hearing loss 21. Last evaluated: 2025-01-09. Review status: criteria provided, single submitter. Criteria: ClinGen HL ACMG Specifications v1. Collection method: research. Allele origin: germline. Affected: yes.
Comment: PVS1;PM3_Supporting;PM2_Supporting

NM_005422.4(TECTA):c.2663_2664dup (p.Cys889fs)

Genes: TBCEL-TECTA (TBCEL-TECTA readthrough; plus strand), TECTA (tectorin alpha; plus strand), LOC126861365 (P300/CBP strongly-dependent group 1 enhancer GRCh37_chr11:121000154-121001353; plus strand). Cytogenetic location: 11q23.3.
Variant type: Microsatellite.
Coding change: c.2663_2664dup on transcript NM_005422.4 (MANE Select); coding-DNA positions 2663 to 2664, 2 bases duplicated (AG; older notation c.2663_2664dupAG).
Protein change: p.Cys889fs; shifts the reading frame from cysteine 889.
Molecular consequence: frameshift variant.
Genome position (GRCh38, 1-based): chr11:121,129,933-121,129,934, AG duplicated; duplicating any 2 consecutive bases within chr11:121,129,930-121,129,934 gives the same sequence; the c. name uses the placement nearest the transcript's 3' end. VCF-style (leftmost placement, unchanged base first): chr11-121129929-G-GGA. GRCh37 (hg19) VCF-style: chr11-121000638-G-GGA.
Other names: c.3620_3621dup, p.Cys1208fs (NM_001378761.1); short protein forms C1208fs, C889fs.
Identifiers: ClinVar variation 3601869 (VCV003601869.1).